The following is an entry in ClinVar:

ClinVar aggregate classification (germline): Benign. Review status: criteria provided, multiple submitters, no conflicts (2 of 4 stars). 4 submissions from 4 submitters: Benign (3). 1 of the submissions does not count toward it. Last evaluated 2026-02-01.

Conditions:
DSCAM-related disorder. Also called: DSCAM-related condition.

Allele frequency attached by ClinVar (database versions not stated): 1000 Genomes Project 0.00260; 1000 Genomes Project 30x 0.00281; TOPMed 0.00666; gnomAD exomes 0.00670; gnomAD 0.00674 and 0.00678; ExAC 0.00678; ESP Exome Variant Server 0.00724.
gnomAD v4.1: 16,156 of 1,614,122 alleles (1%); highest among the groups gnomAD compares: Non-Finnish European, 1.2%; 116 homozygotes.

Submissions (4):

CeGaT Center for Human Genetics Tuebingen
Classification: Benign. Last evaluated: 2026-02-01. Review status: criteria provided, single submitter. Criteria: CeGaT Center For Human Genetics Tuebingen Variant Classification Criteria Version 2. Collection method: clinical testing. Allele origin: germline. Affected: yes. Observed: 17 variant alleles.
Comment: DSCAM: BP4, BP7, BS1, BS2

Labcorp Genetics (formerly Invitae), Labcorp
Classification: Benign. Last evaluated: 2019-12-31. Review status: criteria provided, single submitter. Criteria: Invitae Variant Classification Sherloc (09022015). Collection method: clinical testing. Allele origin: germline.

Breakthrough Genomics
Classification: Benign. Review status: criteria provided, single submitter. Criteria: ACMG Guidelines, 2015. Collection method: not provided. Allele origin: germline. Inheritance: Unknown mechanism. Affected: yes.

PreventionGenetics, part of Exact Sciences
Classification: Benign for DSCAM-related condition. Last evaluated: 2020-01-28. Review status: no assertion criteria provided. Collection method: clinical testing. Allele origin: germline. Not counted in ClinVar's aggregate classification.
Comment: This variant is classified as benign based on ACMG/AMP sequence variant interpretation guidelines (Richards et al. 2015 PMID: 25741868, with internal and published modifications).

NM_001389.5(DSCAM):c.5280A>G (p.Ser1760=)

Gene: DSCAM (DS cell adhesion molecule; minus strand). Cytogenetic location: 21q22.2.
Variant type: single nucleotide variant.
Coding change: c.5280A>G on transcript NM_001389.5 (MANE Select); coding-DNA position 5280, A replaced by G.
Protein change: p.Ser1760=; no amino-acid change (serine 1760 retained).
Molecular consequence: synonymous variant. On other transcripts: non-coding transcript variant (1).
Genome position (GRCh38, 1-based): chr21:40,044,181, T>C on the plus strand (A>G on the coding strand, the complement: DSCAM is on the minus strand). VCF-style: chr21-40044181-T-C. GRCh37 (hg19) VCF-style: chr21-41416108-T-C.
Other names: c.5280A>G, p.Ser1760= (NM_001271534.3).
Identifiers: ClinVar variation 770008 (VCV000770008.30), dbSNP rs201433234, ClinGen allele CA10030360.